The following is an entry in ClinVar:

ClinVar aggregate classification (germline): Uncertain significance (1 of 4 stars; one submission).

Conditions:
Alpha-methylacyl-CoA racemase deficiency (AMACRD). Also called: AMACR deficiency. Identifiers: Orphanet 79095, MedGen C3280428, MONDO:0013681, OMIM 614307. Disease mechanism: loss of function.

Submission:

Labcorp Genetics (formerly Invitae), Labcorp
Classification: Uncertain significance for Alpha-methylacyl-CoA racemase deficiency. Last evaluated: 2022-08-21. Review status: criteria provided, single submitter. Criteria: Invitae Variant Classification Sherloc (09022015). Collection method: clinical testing. Allele origin: germline.
Comment: In summary, the available evidence is currently insufficient to determine the role of this variant in disease. Therefore, it has been classified as a Variant of Uncertain Significance. Algorithms developed to predict the effect of missense changes on protein structure and function (SIFT, PolyPhen-2, Align-GVGD) all suggest that this variant is likely to be tolerated. This variant has not been reported in the literature in individuals affected with AMACR-related conditions. This variant is present in population databases (rs766895023, gnomAD 0.009%). This sequence change replaces methionine, which is neutral and non-polar, with valine, which is neutral and non-polar, at codon 166 of the AMACR protein (p.Met166Val).

NM_014324.6(AMACR):c.496A>G (p.Met166Val)

Genes: C1QTNF3-AMACR (C1QTNF3-AMACR readthrough (NMD candidate); minus strand), AMACR (alpha-methylacyl-CoA racemase; minus strand). Cytogenetic location: 5p13.2.
Variant type: single nucleotide variant.
Coding change: c.496A>G on transcript NM_014324.6 (MANE Select); coding-DNA position 496, A replaced by G.
Protein change: p.Met166Val; replaces methionine 166 with valine.
Molecular consequence: missense variant. On other transcripts: intron variant (1).
Genome position (GRCh38, 1-based): chr5:34,004,630, T>C on the plus strand (A>G on the coding strand, the complement: AMACR is on the minus strand). VCF-style: chr5-34004630-T-C. GRCh37 (hg19) VCF-style: chr5-34004735-T-C.
Other names: c.496A>G, p.Met166Val (NM_001167595.2); c.391+1126A>G (NM_203382.3); short protein forms M166V.
Identifiers: ClinVar variation 2010961 (VCV002010961.4), dbSNP rs766895023, ClinGen allele CA3226196.